The following is an entry in ClinVar:

NM_001211.6(BUB1B):c.961C>G (p.His321Asp)

Gene: BUB1B (BUB1 mitotic checkpoint serine/threonine kinase B; plus strand). Cytogenetic location: 15q15.1.
Variant type: single nucleotide variant.
Coding change: c.961C>G on transcript NM_001211.6 (MANE Select); coding-DNA position 961, C replaced by G.
Protein change: p.His321Asp; replaces histidine 321 with aspartic acid.
Molecular consequence: missense variant.
Genome position (GRCh38, 1-based): chr15:40,185,374, C>G. VCF-style: chr15-40185374-C-G. GRCh37 (hg19) VCF-style: chr15-40477575-C-G.
Other names: short protein forms H321D.
Identifiers: ClinVar variation 4867973 (VCV004867973.1).

ClinVar aggregate classification (germline): Uncertain significance (1 of 4 stars; one submission).

Conditions:
Inborn genetic diseases. Identifiers: MedGen C0950123, MeSH D030342.

Submission:

Ambry Genetics
Classification: Uncertain significance for Inborn genetic diseases. Last evaluated: 2026-06-08. Review status: criteria provided, single submitter. Criteria: Ambry Variant Classification Scheme 2023. Collection method: clinical testing. Allele origin: germline.
Comment: The p.H321D variant (also known as c.961C>G), located in coding exon 7 of the BUB1B gene, results from a C to G substitution at nucleotide position 961. The histidine at codon 321 is replaced by aspartic acid, an amino acid with similar properties. This amino acid position is conserved. In addition, this alteration is predicted to be tolerated by in silico analysis. Based on the available evidence, the clinical significance of this variant remains unclear.